The following is an entry in ClinVar:

NM_005359.6(SMAD4):c.938C>A (p.Pro313His)

Gene: SMAD4 (SMAD family member 4; plus strand). Cytogenetic location: 18q21.2.
Variant type: single nucleotide variant.
Coding change: c.938C>A on transcript NM_005359.6 (MANE Select); coding-DNA position 938, C replaced by A.
Protein change: p.Pro313His; replaces proline 313 with histidine.
Molecular consequence: missense variant. On other transcripts: non-coding transcript variant (2).
Genome position (GRCh38, 1-based): chr18:51,059,899, C>A. VCF-style: chr18-51059899-C-A. GRCh37 (hg19) VCF-style: chr18-48586269-C-A.
Other names: c.938C>A, p.Pro313His (NM_001407041.1, NM_001407042.1, NM_001407043.1); short protein forms P313H.
Identifiers: ClinVar variation 2848021 (VCV002848021.3), dbSNP rs2144433515, ClinGen allele CA402463708.
Genomic context (GRCh38, chr18:51,059,899, plus strand): 5'-ATGGAATTTTTGTTGTCTTTTCTTTAGGGCCTGTTCACAATGAGCTTGCATTCCAGCCTC[C>A]CATTTCCAATCATCCTGGTAAGTGTATTTCAAAATTGATTTCCTGTATTTAGATTGATTT-3'
Protein context (NP_005350.1, residues 303-323): PVHNELAFQP[Pro313His]ISNHPAPEYW

ClinVar aggregate classification (germline): Uncertain significance (1 of 4 stars; one submission).

Conditions:
Juvenile polyposis syndrome (JPS). Identifiers: Orphanet 2929, MedGen C0345893, MONDO:0017380, OMIM 174900.

Submission:

Labcorp Genetics (formerly Invitae), Labcorp
Classification: Uncertain significance for Juvenile polyposis syndrome. Last evaluated: 2023-03-24. Review status: criteria provided, single submitter. Criteria: Invitae Variant Classification Sherloc (09022015). Collection method: clinical testing. Allele origin: germline.
Comment: In summary, the available evidence is currently insufficient to determine the role of this variant in disease. Therefore, it has been classified as a Variant of Uncertain Significance. Advanced modeling of protein sequence and biophysical properties (such as structural, functional, and spatial information, amino acid conservation, physicochemical variation, residue mobility, and thermodynamic stability) has been performed at Invitae for this missense variant, however the output from this modeling did not meet the statistical confidence thresholds required to predict the impact of this variant on SMAD4 protein function. This sequence change replaces proline, which is neutral and non-polar, with histidine, which is basic and polar, at codon 313 of the SMAD4 protein (p.Pro313His). This variant is not present in population databases (gnomAD no frequency). This variant has not been reported in the literature in individuals affected with SMAD4-related conditions.